The following is an entry in ClinVar:

NM_000257.4(MYH7):c.3993C>T (p.His1331=)

Gene: MYH7 (myosin heavy chain 7; minus strand). Cytogenetic location: 14q11.2.
Variant type: single nucleotide variant.
Coding change: c.3993C>T on transcript NM_000257.4 (MANE Select); coding-DNA position 3993, C replaced by T.
Protein change: p.His1331=; no amino-acid change (histidine 1331 retained).
Molecular consequence: synonymous variant.
Genome position (GRCh38, 1-based): chr14:23,418,386, G>A on the plus strand (C>T on the coding strand, the complement: MYH7 is on the minus strand). VCF-style: chr14-23418386-G-A. GRCh37 (hg19) VCF-style: chr14-23887595-G-A.
Identifiers: ClinVar variation 138381 (VCV000138381.50), dbSNP rs200288088, ClinGen allele CA014326.

ClinVar aggregate classification (germline): Benign/Likely benign. Review status: criteria provided, multiple submitters, no conflicts (2 of 4 stars). 12 submissions from 12 submitters: Benign (2); Likely benign (8). 2 of the submissions do not count toward it. Last evaluated 2026-06-19.

Conditions:
Cardiovascular phenotype. Identifiers: MedGen CN230736.
Cardiomyopathy (CMYO). Also called: Cardiomyopathies. Identifiers: Orphanet 167848, MedGen C0878544, MONDO:0004994, HP:0001638. Inheritance: Various modes of inheritance.
Hypertrophic cardiomyopathy. Also called: HYPERTROPHIC MYOCARDIOPATHY. Identifiers: Orphanet 217569, MedGen C0007194, MeSH D002312, MONDO:0005045, HP:0001639.

Allele frequency attached by ClinVar (database versions not stated): TOPMed 0.00003; gnomAD 0.00004 and 0.00005; gnomAD exomes 0.00010; 1000 Genomes Project 30x 0.00016; 1000 Genomes Project 0.00080; ExAC 0.00221.
gnomAD v4.1: 158 of 1,611,776 alleles (0.0098%); highest among the groups gnomAD compares: East Asian, 0.2%; no homozygotes.

Submissions (12):

Women's Health and Genetics/Laboratory Corporation of America, LabCorp
Classification: Likely benign. Last evaluated: 2026-06-19. Review status: criteria provided, single submitter. Criteria: LabCorp Variant Classification Summary - May 2015. Collection method: clinical testing. Allele origin: germline.

Labcorp Genetics (formerly Invitae), Labcorp
Classification: Likely benign for Hypertrophic cardiomyopathy. Last evaluated: 2026-01-05. Review status: criteria provided, single submitter. Criteria: Invitae Variant Classification Sherloc (09022015). Collection method: clinical testing. Allele origin: germline.

CeGaT Center for Human Genetics Tuebingen
Classification: Likely benign. Last evaluated: 2025-12-01. Review status: criteria provided, single submitter. Criteria: CeGaT Center For Human Genetics Tuebingen Variant Classification Criteria Version 2. Collection method: clinical testing. Allele origin: germline. Affected: yes. Observed: 2 variant alleles.
Comment: MYH7: BP4, BP7

Blueprint Genetics
Classification: Likely benign. Last evaluated: 2024-11-25. Review status: criteria provided, single submitter. Criteria: ACMG Guidelines, 2015. Collection method: clinical testing. Allele origin: germline.

All of Us Research Program, National Institutes of Health
Classification: Likely benign for Cardiomyopathy. Last evaluated: 2023-12-13. Review status: criteria provided, single submitter. Criteria: ACMG Guidelines, 2015. Collection method: clinical testing. Allele origin: germline. Inheritance: Autosomal dominant inheritance. Observed: 9 variant alleles, 9 heterozygotes.
Comment: This study involves interpretation of variants in research participants for the purpose of population health screening. Participant phenotype was not available at the time of variant classification. Additional details can be found in publication PMID: 35346344, PMCID: PMC8962531

Ambry Genetics
Classification: Likely benign for Cardiovascular phenotype. Last evaluated: 2022-08-25. Review status: criteria provided, single submitter. Criteria: Ambry Variant Classification Scheme 2023. Collection method: clinical testing. Allele origin: germline.

Color Diagnostics, LLC DBA Color Health
Classification: Likely benign for Cardiomyopathy. Last evaluated: 2018-08-31. Review status: criteria provided, single submitter. Criteria: ACMG Guidelines, 2015. Collection method: clinical testing. Allele origin: germline.

CHEO Genetics Diagnostic Laboratory, Children's Hospital of Eastern Ontario
Classification: Benign for Cardiomyopathy. Last evaluated: 2017-11-28. Review status: criteria provided, single submitter. Criteria: ACMG Guidelines, 2015. Collection method: clinical testing. Allele origin: germline.

Laboratory for Molecular Medicine, Mass General Brigham Personalized Medicine
Classification: Likely benign. Last evaluated: 2016-04-14. Review status: criteria provided, single submitter. Criteria: LMM Criteria. Collection method: clinical testing. Allele origin: germline. Observed: 1 variant allele.
Comment: p.His1331His in exon 30 of MYH7: This variant is not expected to have clinical significance because it does not alter an amino acid residue and is not located within the splice consensus sequence.

GeneDx
Classification: Benign. Last evaluated: 2013-09-20. Review status: criteria provided, single submitter. Criteria: GeneDx Variant Classification (06012015). Collection method: clinical testing. Allele origin: germline. Affected: yes.
Comment: This variant is considered likely benign or benign based on one or more of the following criteria: it is a conservative change, it occurs at a poorly conserved position in the protein, it is predicted to be benign by multiple in silico algorithms, and/or has population frequency not consistent with disease.

Genome Diagnostics Laboratory, University Medical Center Utrecht
Classification: Likely benign. Review status: no assertion criteria provided. Collection method: clinical testing. Allele origin: germline. Affected: yes. Study: VKGL Data-share Consensus. Not counted in ClinVar's aggregate classification.

Joint Genome Diagnostic Labs from Nijmegen and Maastricht, Radboudumc and MUMC+
Classification: Benign. Review status: no assertion criteria provided. Collection method: clinical testing. Allele origin: germline. Affected: yes. Study: VKGL Data-share Consensus. Not counted in ClinVar's aggregate classification.